The following is an entry in ClinVar:

NM_000051.4(ATM):c.3335dup (p.Leu1113fs)

Gene: ATM (ATM serine/threonine kinase; plus strand). Cytogenetic location: 11q22.3.
Variant type: Duplication.
Coding change: c.3335dup on transcript NM_000051.4 (MANE Select); coding-DNA position 3335, one base duplicated (C; older notation c.3335dupC).
Protein change: p.Leu1113fs; shifts the reading frame from leucine 1113.
Molecular consequence: frameshift variant.
Genome position (GRCh38, 1-based): chr11:108,279,541, C duplicated; the last of 2 consecutive C bases (chr11:108,279,540-108,279,541); duplicating either gives the same sequence. VCF-style (leftmost placement, unchanged base first): chr11-108279539-T-TC. GRCh37 (hg19) VCF-style: chr11-108150266-T-TC.
Other names: c.3335dup, p.Leu1113fs (NM_001351834.2); c.3335dupC (NM_000051.3); short protein forms L1113fs.
Identifiers: ClinVar variation 232858 (VCV000232858.6), dbSNP rs876660031, ClinGen allele CA10579098.
Genomic context (GRCh38, chr11:108,279,539, plus strand): 5'-GCTTGTTTTAAGATTGTTCCAGGACACGAAGGGAGATTCTTCCAGGTTACTGAAAGCACT[T>TC]CCTTTGAAGCTTCAGCAAACAGCTTTTGAAAATGCATACTTGAAAGCTCAGGAAGGAATG-3'

ClinVar aggregate classification (germline): Pathogenic (1 of 4 stars; one submission).

Conditions:
Hereditary cancer-predisposing syndrome. Also called: Neoplastic Syndromes, Hereditary; Tumor predisposition; Hereditary Cancer Syndrome; Hereditary neoplastic syndrome. Identifiers: Orphanet 140162, MedGen C0027672, MeSH D009386, MONDO:0015356.

Submission:

Ambry Genetics
Classification: Pathogenic for Hereditary cancer-predisposing syndrome. Last evaluated: 2024-06-05. Review status: criteria provided, single submitter. Criteria: Ambry Variant Classification Scheme 2023. Collection method: clinical testing. Allele origin: germline.
Comment: The c.3335dupC pathogenic mutation, located in coding exon 22 of the ATM gene, results from a duplication of C at nucleotide position 3335, causing a translational frameshift with a predicted alternate stop codon (p.L1113Ffs*9). This alteration is expected to result in loss of function by premature protein truncation or nonsense-mediated mRNA decay. As such, this alteration is interpreted as a disease-causing mutation.